The following is an entry in ClinVar:

ClinVar aggregate classification (germline): Benign/Likely benign. Review status: criteria provided, multiple submitters, no conflicts (2 of 4 stars). 13 submissions from 12 submitters: Benign (12); Likely benign (1). Last evaluated 2026-02-04.

Conditions:
Ehlers-Danlos syndrome, classic type, 1 (EDSCL1). Also called: Ehlers-Danlos syndrome, type 1; Ehlers-Danlos Syndrome, Classic Type, COL5A1-Related; EDS I; EHLERS-DANLOS SYNDROME, GRAVIS TYPE; EHLERS-DANLOS SYNDROME, SEVERE CLASSIC TYPE. Identifiers: MedGen C0268335, MONDO:0019567, OMIM 130000.
Fibromuscular dysplasia, multifocal. Identifiers: MedGen C5543412, MONDO:0859151, OMIM 619329.
Ehlers-Danlos syndrome (EDS). Identifiers: Orphanet 98249, MedGen C0013720, MONDO:0020066.
Familial thoracic aortic aneurysm and aortic dissection (TAAD). Also called: Thoracic aortic aneurysms and dissections. Identifiers: Orphanet 91387, MedGen C4707243, MONDO:0019625.

Allele frequency attached by ClinVar (database versions not stated): ESP Exome Variant Server 0.03160; gnomAD 0.03168 and 0.03349; TOPMed 0.03189; 1000 Genomes Project 30x 0.04076; 1000 Genomes Project 0.04153.
gnomAD v4.1: 63,724 of 1,613,330 alleles (3.9%); highest among the groups gnomAD compares: South Asian, 7.8%; 1,446 homozygotes.

Submissions (13):

Labcorp Genetics (formerly Invitae), Labcorp
Classification: Benign for Ehlers-Danlos syndrome, classic type, 1. Last evaluated: 2026-02-04. Review status: criteria provided, single submitter. Criteria: Invitae Variant Classification Sherloc (09022015). Collection method: clinical testing. Allele origin: germline.

ARUP Laboratories, Molecular Genetics and Genomics, ARUP Laboratories
Classification: Benign. Last evaluated: 2025-07-28. Review status: criteria provided, single submitter. Criteria: ARUP Molecular Germline Variant Investigation Process 2024. Collection method: clinical testing. Allele origin: germline.

Molecular Diagnostic Laboratory for Inherited Cardiovascular Disease, Montreal Heart Institute
Classification: Benign. Last evaluated: 2025-04-09. Review status: criteria provided, single submitter. Criteria: ACMG Guidelines, 2015. Collection method: clinical testing. Allele origin: germline. Affected: no.

Blueprint Genetics
Classification: Benign. Last evaluated: 2024-11-27. Review status: criteria provided, single submitter. Criteria: ACMG Guidelines, 2015. Collection method: clinical testing. Allele origin: germline.

Genome Diagnostics Laboratory, The Hospital for Sick Children
Classification: Benign for Ehlers-Danlos syndrome. Last evaluated: 2022-07-16. Review status: criteria provided, single submitter. Criteria: ACMG Guidelines, 2015. Collection method: clinical testing. Allele origin: germline.

Genome-Nilou Lab
Classification: Benign for Ehlers-Danlos syndrome, classic type, 1. Last evaluated: 2022-03-15. Review status: criteria provided, single submitter. Criteria: ACMG Guidelines, 2015. Collection method: clinical testing. Allele origin: germline. Affected: no.

Genome-Nilou Lab
Classification: Benign for Fibromuscular dysplasia, multifocal. Last evaluated: 2022-03-15. Review status: criteria provided, single submitter. Criteria: ACMG Guidelines, 2015. Collection method: clinical testing. Allele origin: germline. Affected: no.

Mayo Clinic Laboratories, Mayo Clinic
Classification: Benign. Last evaluated: 2017-11-15. Review status: criteria provided, single submitter. Criteria: ACMG Guidelines, 2015. Collection method: clinical testing. Allele origin: germline. Observed: 397 variant alleles.

Women's Health and Genetics/Laboratory Corporation of America, LabCorp
Classification: Benign. Last evaluated: 2017-03-10. Review status: criteria provided, single submitter. Criteria: LabCorp Variant Classification Summary - May 2015. Collection method: clinical testing. Allele origin: germline.
Comment: Variant summary: The COL5A1 c.2892C>T (p.Gly964Gly) variant involves the alteration of a non-conserved nucleotide, resulting in a synonymous change. One in silico tool predicts a polymorphism outcome for this variant. 5/5 splice prediction tools predict no significant impact on normal splicing. ESE finder predicts that this variant does not significantly affect ESE sites at the locus. However, these predictions have yet to be confirmed by functional studies. The variant does not fall within a known functional domain of the protein (InterPro). This variant was found in 5033/120846 control chromosomes (133 homozygotes) at a frequency of 0.041648, which is approximately 33318 times the estimated maximal expected allele frequency of a pathogenic COL5A1 variant (0.0000013), suggesting this variant is likely a benign polymorphism. In addition, multiple clinical diagnostic laboratories/reputable databases classified this variant as benign. To our knowledge, the variant of interest has not been reported in affected individuals via publications and/or reputable clinical diagnostic laboratories/databases, nor has it been evaluated for functional impact by in vivo/vitro studies. Taken together, this variant is classified as benign.

Ambry Genetics
Classification: Benign for Familial thoracic aortic aneurysm and aortic dissection. Last evaluated: 2015-02-25. Review status: criteria provided, single submitter. Criteria: Ambry Variant Classification Scheme 2023. Collection method: clinical testing. Allele origin: germline.

GeneDx
Classification: Benign. Last evaluated: 2012-12-14. Review status: criteria provided, single submitter. Criteria: GeneDx Variant Classification (06012015). Collection method: clinical testing. Allele origin: germline. Affected: yes.
Comment: This variant is considered likely benign or benign based on one or more of the following criteria: it is a conservative change, it occurs at a poorly conserved position in the protein, it is predicted to be benign by multiple in silico algorithms, and/or has population frequency not consistent with disease.

Breakthrough Genomics
Classification: Likely benign. Review status: criteria provided, single submitter. Criteria: ACMG Guidelines, 2015. Collection method: not provided. Allele origin: germline. Inheritance: Autosomal dominant inheritance. Affected: yes.

PreventionGenetics, part of Exact Sciences
Classification: Benign. Review status: criteria provided, single submitter. Criteria: ACMG Guidelines, 2015. Collection method: clinical testing. Allele origin: germline.

Literature cited by the submitters: PubMed 10471441 (cited by Ambry Genetics).

NM_000093.5(COL5A1):c.2892C>T (p.Gly964=)

Gene: COL5A1 (collagen type V alpha 1 chain; plus strand). Cytogenetic location: 9q34.3.
Variant type: single nucleotide variant.
Coding change: c.2892C>T on transcript NM_000093.5 (MANE Select); coding-DNA position 2892, C replaced by T.
Protein change: p.Gly964=; no amino-acid change (glycine 964 retained).
Molecular consequence: synonymous variant.
Genome position (GRCh38, 1-based): chr9:134,796,895, C>T. VCF-style: chr9-134796895-C-T. GRCh37 (hg19) VCF-style: chr9-137688741-C-T.
Other names: p.G964G:GGC>GGT; p.Gly964=; c.2892C>T, p.Gly964= (NM_001278074.1).
Identifiers: ClinVar variation 136876 (VCV000136876.42), dbSNP rs78511105, ClinGen allele CA290250.